The following is an entry in ClinVar:

ClinVar aggregate classification (germline): Benign. Review status: criteria provided, multiple submitters, no conflicts (2 of 4 stars). 3 submissions from 3 submitters: Benign (2). 1 of the submissions does not count toward it. Last evaluated 2019-12-31.

Conditions:
POLQ-related disorder. Also called: POLQ-related condition.

Allele frequency attached by ClinVar (database versions not stated): gnomAD exomes 0.00206 and 0.00477; gnomAD 0.01745 and 0.01876; 1000 Genomes Project 30x 0.01796; ExAC 0.00585; 1000 Genomes Project 0.01737; ESP Exome Variant Server 0.02161; TOPMed 0.01988.

Submissions (3):

Labcorp Genetics (formerly Invitae), Labcorp
Classification: Benign. Last evaluated: 2019-12-31. Review status: criteria provided, single submitter. Criteria: Invitae Variant Classification Sherloc (09022015). Collection method: clinical testing. Allele origin: germline.

Breakthrough Genomics
Classification: Benign. Review status: criteria provided, single submitter. Criteria: ACMG Guidelines, 2015. Collection method: not provided. Allele origin: germline. Inheritance: Unknown mechanism. Affected: yes.

PreventionGenetics, part of Exact Sciences
Classification: Benign for POLQ-related condition. Last evaluated: 2019-05-20. Review status: no assertion criteria provided. Collection method: clinical testing. Allele origin: germline. Not counted in ClinVar's aggregate classification.
Comment: This variant is classified as benign based on ACMG/AMP sequence variant interpretation guidelines (Richards et al. 2015 PMID: 25741868, with internal and published modifications).

NM_199420.4(POLQ):c.3167C>T (p.Pro1056Leu)

Gene: POLQ (DNA polymerase theta; minus strand). Cytogenetic location: 3q13.33.
Variant type: single nucleotide variant.
Coding change: c.3167C>T on transcript NM_199420.4 (MANE Select); coding-DNA position 3167, C replaced by T.
Protein change: p.Pro1056Leu; replaces proline 1056 with leucine.
Molecular consequence: missense variant.
Genome position (GRCh38, 1-based): chr3:121,489,764, G>A on the plus strand (C>T on the coding strand, the complement: POLQ is on the minus strand). VCF-style: chr3-121489764-G-A. GRCh37 (hg19) VCF-style: chr3-121208611-G-A.
Other names: short protein forms P1056L.
Identifiers: ClinVar variation 780404 (VCV000780404.7), dbSNP rs34778629, ClinGen allele CA2563111.